The following is an entry in ClinVar:

ClinVar aggregate classification (germline): Uncertain significance (1 of 4 stars; one submission).

gnomAD v4.1: 4 of 1,613,612 alleles (0.00025%); highest among the groups gnomAD compares: Non-Finnish European, 0.000085%; no homozygotes.

Submission:

Labcorp Genetics (formerly Invitae), Labcorp
Classification: Uncertain significance. Last evaluated: 2024-03-11. Review status: criteria provided, single submitter. Criteria: Invitae Variant Classification Sherloc (09022015). Collection method: clinical testing. Allele origin: germline.
Comment: This sequence change replaces proline, which is neutral and non-polar, with leucine, which is neutral and non-polar, at codon 1359 of the FOCAD protein (p.Pro1359Leu). This variant is present in population databases (rs756726577, gnomAD 0.004%). This variant has not been reported in the literature in individuals affected with FOCAD-related conditions. Experimental studies and prediction algorithms are not available or were not evaluated, and the functional significance of this variant is currently unknown. In summary, the available evidence is currently insufficient to determine the role of this variant in disease. Therefore, it has been classified as a Variant of Uncertain Significance.

NM_001375567.1(FOCAD):c.4076C>T (p.Pro1359Leu)

Gene: FOCAD (focadhesin; plus strand). Cytogenetic location: 9p21.3.
Variant type: single nucleotide variant.
Coding change: c.4076C>T on transcript NM_001375567.1 (MANE Select); coding-DNA position 4076, C replaced by T.
Protein change: p.Pro1359Leu; replaces proline 1359 with leucine.
Molecular consequence: missense variant.
Genome position (GRCh38, 1-based): chr9:20,953,009, C>T. VCF-style: chr9-20953009-C-T. GRCh37 (hg19) VCF-style: chr9-20953008-C-T.
Other names: c.3971C>T, p.Pro1324Leu (NM_001375568.1, NM_001375570.1); c.4076C>T, p.Pro1359Leu (NM_017794.5); short protein forms P1359L, P1324L.
Identifiers: ClinVar variation 3645364 (VCV003645364.2).